The following is an entry in ClinVar:

NM_139215.3(TAF15):c.1542_1562del (p.492GGYGGDR[4])

Gene: TAF15 (TATA-box binding protein associated factor 15; plus strand). Cytogenetic location: 17q12.
Variant type: Deletion.
Coding change: c.1542_1562del on transcript NM_139215.3 (MANE Select); coding-DNA positions 1542 to 1562, 21 bases deleted (TTATGGAGGAGATCGAGGAGG).
Protein change: p.492GGYGGDR[4].
Molecular consequence: inframe deletion.
Genome position (GRCh38, 1-based): chr17:35,844,841-35,844,861, TTATGGAGGAGATCGAGGAGG deleted; deleting any 21 consecutive bases within chr17:35,844,824-35,844,861 gives the same sequence; the c. name uses the placement nearest the transcript's 3' end. VCF-style (leftmost placement, unchanged base first): chr17-35844823-CGGAGGAGATCGAGGAGGTTAT-C. GRCh37 (hg19) VCF-style: chr17-34171827-CGGAGGAGATCGAGGAGGTTAT-C.
Other names: c.1533_1553del, p.489GGYGGDR[4] (NM_003487.4); c.1542_1562del21 (NM_139215.2).
Identifiers: ClinVar variation 1211733 (VCV001211733.5), dbSNP rs750774088, ClinGen allele CA290041591.

ClinVar aggregate classification (germline): Likely benign. Review status: criteria provided, single submitter (1 of 4 stars). 2 submissions from 2 submitters: Likely benign (1). 1 of the submissions does not count toward it. Last evaluated 2020-12-14.

Conditions:
TAF15-related disorder. Also called: TAF15-related condition.

Submissions (2):

GeneDx
Classification: Likely benign. Last evaluated: 2020-12-14. Review status: criteria provided, single submitter. Criteria: GeneDx Variant Classification Process June 2021. Collection method: clinical testing. Allele origin: germline. Affected: yes.

PreventionGenetics, part of Exact Sciences
Classification: Likely benign for TAF15-related condition. Last evaluated: 2023-03-10. Review status: no assertion criteria provided. Collection method: clinical testing. Allele origin: germline. Not counted in ClinVar's aggregate classification.
Comment: This variant is classified as likely benign based on ACMG/AMP sequence variant interpretation guidelines (Richards et al. 2015 PMID: 25741868, with internal and published modifications).